The following is an entry in ClinVar:

NM_017875.4(SLC25A38):c.409dup (p.Ala137fs)

Gene: SLC25A38 (solute carrier family 25 member 38; plus strand). Cytogenetic location: 3p22.1.
Variant type: Duplication.
Coding change: c.409dup on transcript NM_017875.4 (MANE Select); coding-DNA position 409, one base duplicated (G; older notation c.409dupG).
Protein change: p.Ala137fs; shifts the reading frame from alanine 137.
Molecular consequence: frameshift variant.
Genome position (GRCh38, 1-based): chr3:39,391,573, G duplicated. VCF-style (leftmost placement, unchanged base first): chr3-39391572-T-TG. GRCh37 (hg19) VCF-style: chr3-39433063-T-TG.
Other names: c.409dup, p.Ala137fs (NM_001354798.2); short protein forms A137fs.
Identifiers: ClinVar variation 1172509 (VCV001172509.6), dbSNP rs2041767936, ClinGen allele CA1358938073.

ClinVar aggregate classification (germline): Pathogenic. Review status: criteria provided, multiple submitters, no conflicts (2 of 4 stars). 2 submissions from 2 submitters: Pathogenic (2). Last evaluated 2022-05-20.

Conditions:
Sideroblastic anemia 2. Also called: Anemia, sideroblastic, 2, pyridoxine-refractory. Identifiers: Orphanet 260305, MedGen C4225425, MONDO:0008785, OMIM 205950.

Allele frequency attached by ClinVar (database versions not stated): gnomAD exomes below 0.00001.

Submissions (2):

Labcorp Genetics (formerly Invitae), Labcorp
Classification: Pathogenic. Last evaluated: 2022-05-20. Review status: criteria provided, single submitter. Criteria: Invitae Variant Classification Sherloc (09022015). Collection method: clinical testing. Allele origin: germline.
Comment: For these reasons, this variant has been classified as Pathogenic. ClinVar contains an entry for this variant (Variation ID: 1172509). This premature translational stop signal has been observed in individual(s) with congenital sideroblastic anemia (PMID: 32605921). This variant is not present in population databases (gnomAD no frequency). This sequence change creates a premature translational stop signal (p.Ala137Glyfs*16) in the SLC25A38 gene. It is expected to result in an absent or disrupted protein product. Loss-of-function variants in SLC25A38 are known to be pathogenic (PMID: 19412178, 25985931).

Mark Fleming Laboratory, Boston Children's Hospital
Classification: Pathogenic for Sideroblastic anemia 2. Last evaluated: 2021-06-01. Review status: criteria provided, single submitter. Criteria: ACMG Guidelines, 2015. Collection method: research. Allele origin: germline. Affected: yes.

Literature cited by the submitters: PubMed 32605921 (cited by Labcorp Genetics (formerly Invitae), Labcorp and Mark Fleming Laboratory, Boston Children's Hospital); PubMed 19412178 (cited by Labcorp Genetics (formerly Invitae), Labcorp); PubMed 25985931 (cited by Labcorp Genetics (formerly Invitae), Labcorp).